The following is an entry in ClinVar:

NC_000017.10:g.(?_7919041)_(7919848_?)del

Gene: GUCY2D (guanylate cyclase 2D, retinal; plus strand). Cytogenetic location: 17p13.1.
Variant type: Deletion.
Identifiers: ClinVar variation 3243070 (VCV003243070.1).

ClinVar aggregate classification (germline): Pathogenic (1 of 4 stars; one submission).

Conditions:
Cone-rod dystrophy 6 (CORD6). Also called: RETINAL CONE DYSTROPHY 2; Cone dystrophy progressive. Identifiers: Orphanet 1872, MedGen C1866293, MONDO:0011143, OMIM 601777.
Leber congenital amaurosis 1 (LCA1). Also called: AMAUROSIS CONGENITA OF LEBER I; RETINAL BLINDNESS, CONGENITAL; Congenital absence of the rods and cones; Leber's congenital tapetoretinal degeneration; Leber's congenital tapetoretinal dysplasia. Identifiers: Orphanet 65, MedGen C2931258, MONDO:0008764, OMIM 204000.

Submission:

Labcorp Genetics (formerly Invitae), Labcorp
Classification: Pathogenic for Leber congenital amaurosis 1; Cone-rod dystrophy 6. Last evaluated: 2023-09-28. Review status: criteria provided, single submitter. Criteria: Invitae Variant Classification Sherloc (09022015). Collection method: clinical testing. Allele origin: unknown.
Comment: This variant is a gross deletion of the genomic region encompassing exon(s) 16-19 of the GUCY2D gene, which includes the termination codon. This deletion extends beyond the assayed region for this gene and therefore may encompass additional genes. While this deletion is not anticipated to lead to nonsense mediated decay, it is expected to alter mRNA translation or result in a truncated protein product. This variant has not been reported in the literature in individuals affected with GUCY2D-related conditions. This variant disrupts a region of the GUCY2D protein in which other variant(s) (p.Ser1007Leu) have been determined to be pathogenic (PMID: 27375279; Invitae). This suggests that this is a clinically significant region of the protein, and that variants that disrupt it are likely to be disease-causing. For these reasons, this variant has been classified as Pathogenic.

Literature cited by the submitters: PubMed 27375279.